The following is an entry in ClinVar:

NM_212482.4(FN1):c.4892C>T (p.Thr1631Ile)

Gene: FN1 (fibronectin 1; minus strand). Cytogenetic location: 2q35.
Variant type: single nucleotide variant.
Coding change: c.4892C>T on transcript NM_212482.4 (MANE Select); coding-DNA position 4892, C replaced by T.
Protein change: p.Thr1631Ile; replaces threonine 1631 with isoleucine.
Molecular consequence: missense variant.
Genome position (GRCh38, 1-based): chr2:215,384,022, G>A on the plus strand (C>T on the coding strand, the complement: FN1 is on the minus strand). VCF-style: chr2-215384022-G-A. GRCh37 (hg19) VCF-style: chr2-216248745-G-A.
Other names: c.4892C>T, p.Thr1631Ile (NM_001306129.2, NM_001306130.2, NM_001365517.2 and 3 more transcripts); c.4619C>T, p.Thr1540Ile (NM_001306131.2, NM_001306132.2, NM_001365518.2 and 7 more transcripts); short protein forms T1540I, T1631I.
Identifiers: ClinVar variation 2713601 (VCV002713601.3), dbSNP rs762875275, ClinGen allele CA350478850.

ClinVar aggregate classification (germline): Uncertain significance (1 of 4 stars; one submission).

gnomAD v4.1: 1 of 1,613,930 alleles (0.000062%); highest among the groups gnomAD compares: African/African-American, 0.0013%; no homozygotes.

Submission:

Labcorp Genetics (formerly Invitae), Labcorp
Classification: Uncertain significance. Last evaluated: 2023-07-03. Review status: criteria provided, single submitter. Criteria: Invitae Variant Classification Sherloc (09022015). Collection method: clinical testing. Allele origin: germline.
Comment: This sequence change replaces threonine, which is neutral and polar, with isoleucine, which is neutral and non-polar, at codon 1631 of the FN1 protein (p.Thr1631Ile). This variant is not present in population databases (gnomAD no frequency). This variant has not been reported in the literature in individuals affected with FN1-related conditions. An algorithm developed to predict the effect of missense changes on protein structure and function (PolyPhen-2) suggests that this variant is likely to be tolerated. In summary, the available evidence is currently insufficient to determine the role of this variant in disease. Therefore, it has been classified as a Variant of Uncertain Significance.